The following is an entry in ClinVar:

ClinVar aggregate classification (germline): Uncertain significance (1 of 4 stars; one submission).

Conditions:
CHARGE syndrome (CHARGE). Also called: Coloboma, heart anomaly, choanal atresia, retardation, genital and ear anomalies; CHARGE association; Hall-Hittner syndrome; Hittner Hirsch Kreh syndrome; CHARGE ASSOCIATION--COLOBOMA, HEART ANOMALY, CHOANAL ATRESIA, RETARDATION, GENITAL AND EAR ANOMALIES. Identifiers: Orphanet 138, MedGen C0265354, MONDO:0008965.

gnomAD v4.1: 5 of 1,613,986 alleles (0.00031%); highest among the groups gnomAD compares: Non-Finnish European, 0.00042%; no homozygotes.

Submission:

Labcorp Genetics (formerly Invitae), Labcorp
Classification: Uncertain significance for CHARGE syndrome. Last evaluated: 2021-06-01. Review status: criteria provided, single submitter. Criteria: Invitae Variant Classification Sherloc (09022015). Collection method: clinical testing. Allele origin: germline.
Comment: This variant has not been reported in the literature in individuals with CHD7-related conditions. This variant is not present in population databases (ExAC no frequency). This sequence change replaces lysine with glutamic acid at codon 79 of the CHD7 protein (p.Lys79Glu). The lysine residue is highly conserved and there is a small physicochemical difference between lysine and glutamic acid. Advanced modeling of protein sequence and biophysical properties (such as structural, functional, and spatial information, amino acid conservation, physicochemical variation, residue mobility, and thermodynamic stability) performed at Invitae indicates that this missense variant is not expected to disrupt CHD7 protein function. In summary, the available evidence is currently insufficient to determine the role of this variant in disease. Therefore, it has been classified as a Variant of Uncertain Significance.

NM_017780.4(CHD7):c.235A>G (p.Lys79Glu)

Gene: CHD7 (chromodomain helicase DNA binding protein 7; plus strand). Cytogenetic location: 8q12.2.
Variant type: single nucleotide variant.
Coding change: c.235A>G on transcript NM_017780.4 (MANE Select); coding-DNA position 235, A replaced by G.
Protein change: p.Lys79Glu; replaces lysine 79 with glutamic acid.
Molecular consequence: missense variant.
Genome position (GRCh38, 1-based): chr8:60,741,667, A>G. VCF-style: chr8-60741667-A-G. GRCh37 (hg19) VCF-style: chr8-61654226-A-G.
Other names: c.235A>G, p.Lys79Glu (NM_001316690.1); short protein forms K79E.
Identifiers: ClinVar variation 1419977 (VCV001419977.8), dbSNP rs2150577685, ClinGen allele CA371296646.
Genomic context (GRCh38, chr8:60,741,667, plus strand): 5'-ACTAATCAAAATCAAACAAAGCTGACACATTTTGATCACTATAATCAGTATGAACAACAA[A>G]AGATGCATCTGATGGATCAGCCGAACAGAATGATGAGCAACACCCCTGGGAACGGACTCG-3'
Protein context (NP_060250.2, residues 69-89): FDHYNQYEQQ[Lys79Glu]MHLMDQPNRM